The following is an entry in ClinVar:

ClinVar aggregate classification (germline): Likely benign (0 of 4 stars; one submission).

Conditions:
MACROD2-related disorder. Also called: MACROD2-related condition.

Allele frequency attached by ClinVar (database versions not stated): 1000 Genomes Project 30x 0.00109; gnomAD exomes 0.00242; ExAC 0.00248; gnomAD 0.00333; ESP Exome Variant Server 0.00463.

Submission:

PreventionGenetics, part of Exact Sciences
Classification: Likely benign for MACROD2-related condition. Last evaluated: 2019-06-17. Review status: no assertion criteria provided. Collection method: clinical testing. Allele origin: germline.
Comment: This variant is classified as likely benign based on ACMG/AMP sequence variant interpretation guidelines (Richards et al. 2015 PMID: 25741868, with internal and published modifications).

NM_001351661.2(MACROD2):c.1232-10del

Gene: MACROD2 (mono-ADP ribosylhydrolase 2; plus strand). Cytogenetic location: 20p12.1.
Variant type: Deletion.
Coding change: c.1232-10del on transcript NM_001351661.2 (MANE Select); 10 bases into the intron before coding-DNA position 1232, one base deleted (C; older notation c.1232-10delC).
Molecular consequence: intron variant.
Genome position (GRCh38, 1-based): chr20:16,044,561, C deleted. VCF-style (leftmost placement, unchanged base first): chr20-16044560-TC-T. GRCh37 (hg19) VCF-style: chr20-16025205-TC-T.
Other names: c.1232-10del (NM_001351663.2); c.1231+3283del (NM_080676.6); c.608-10del (NM_001351664.2); c.527-10del (NM_001033087.2).
Identifiers: ClinVar variation 3033380 (VCV003033380.2), dbSNP rs763857357, ClinGen allele CA9769585.
Genomic context (GRCh38, chr20:16,044,560, plus strand): 5'-GGGTCATTTTAATGTGTCTCAGAGATTTAGGTTTAATGAATATTTAACTTTTTTTTTTTT[TC>T]TGGTGACAGTTGAAATGAATAGTCAGGTTGACAAGGTAAATGACCCAACAGAGAGTCAAC-3'